The following is an entry in ClinVar:

NM_000383.4(AIRE):c.1615C>A (p.Pro539Thr)

Gene: AIRE (autoimmune regulator; plus strand). Cytogenetic location: 21q22.3.
Variant type: single nucleotide variant.
Coding change: c.1615C>A on transcript NM_000383.4 (MANE Select); coding-DNA position 1615, C replaced by A.
Protein change: p.Pro539Thr; replaces proline 539 with threonine.
Molecular consequence: missense variant.
Genome position (GRCh38, 1-based): chr21:44,297,704, C>A. VCF-style: chr21-44297704-C-A. GRCh37 (hg19) VCF-style: chr21-45717587-C-A.
Other names: short protein forms P539T.
Identifiers: ClinVar variation 2182941 (VCV002182941.1), dbSNP rs2040625826, ClinGen allele CA410426305.
Genomic context (GRCh38, chr21:44,297,704, plus strand): 5'-TCTGTCCCGCAGCACACCTTCGATGGCATCCTGCAGTGGGCCATCCAGAGCATGGCCCGT[C>A]CGGCGGCCCCCTTCCCCTCCTGACCCCAGATGGCCGGGACATGCAGCTCTGATGAGAGAG-3'
Protein context (NP_000374.1, residues 529-545): LQWAIQSMAR[Pro539Thr]AAPFPS

ClinVar aggregate classification (germline): Uncertain significance (1 of 4 stars; one submission).

Conditions:
Polyglandular autoimmune syndrome, type 1 (APS1). Also called: HYPOADRENOCORTICISM WITH HYPOPARATHYROIDISM AND SUPERFICIAL MONILIASIS; Autoimmune polyendocrine syndrome type 1; Autoimmune polyendocrinopathy syndrome, type I; Autoimmune polyendocrinopathy syndrome , type I, with or without reversible metaphyseal dysplasia; AUTOIMMUNE POLYENDOCRINE SYNDROME, TYPE I, WITH OR WITHOUT REVERSIBLE METAPHYSEAL DYSPLASIA; APS I. Identifiers: Orphanet 3453, MedGen C0085859, MONDO:0009411, OMIM 240300.

Submission:

Labcorp Genetics (formerly Invitae), Labcorp
Classification: Uncertain significance for Polyglandular autoimmune syndrome, type 1. Last evaluated: 2022-10-13. Review status: criteria provided, single submitter. Criteria: Invitae Variant Classification Sherloc (09022015). Collection method: clinical testing. Allele origin: germline.
Comment: This sequence change replaces proline, which is neutral and non-polar, with threonine, which is neutral and polar, at codon 539 of the AIRE protein (p.Pro539Thr). This variant is not present in population databases (gnomAD no frequency). This variant has not been reported in the literature in individuals affected with AIRE-related conditions. Algorithms developed to predict the effect of missense changes on protein structure and function (SIFT, PolyPhen-2, Align-GVGD) all suggest that this variant is likely to be disruptive. This variant disrupts the p.Pro539 amino acid residue in AIRE. Other variant(s) that disrupt this residue have been determined to be pathogenic (PMID: 11836330, 15811934, 17289071, 21295522, 28446514). This suggests that this residue is clinically significant, and that variants that disrupt this residue are likely to be disease-causing. In summary, the available evidence is currently insufficient to determine the role of this variant in disease. Therefore, it has been classified as a Variant of Uncertain Significance.

Literature cited by the submitters: PubMed 11836330; PubMed 15811934; PubMed 17289071; PubMed 21295522; PubMed 28446514.